The following is an entry in ClinVar:

NM_000531.6(OTC):c.617T>C (p.Met206Thr)

Gene: OTC (ornithine transcarbamylase; plus strand). Cytogenetic location: Xp11.4.
Variant type: single nucleotide variant.
Coding change: c.617T>C on transcript NM_000531.6 (MANE Select); coding-DNA position 617, T replaced by C.
Protein change: p.Met206Thr; replaces methionine 206 with threonine.
Molecular consequence: missense variant.
Genome position (GRCh38, 1-based): chrX:38,403,694, T>C. VCF-style: chrX-38403694-T-C. GRCh37 (hg19) VCF-style: chrX-38262947-T-C.
Other names: c.617T>C, p.Met206Thr (NM_001407092.1); short protein forms M206T.
Identifiers: ClinVar variation 3074769 (VCV003074769.2), dbSNP rs72558412, ClinGen allele CA412725680.

ClinVar aggregate classification (germline): Conflicting classifications of pathogenicity. Review status: criteria provided, conflicting classifications (1 of 4 stars). 2 submissions from 2 submitters: Likely pathogenic (1); Uncertain significance (1). Last evaluated 2025-10-11.

Conditions:
Ornithine carbamoyltransferase deficiency (OTCD). Also called: ORNITHINE TRANSCARBAMYLASE DEFICIENCY; ORNITHINE TRANSCARBAMYLASE DEFICIENCY, HYPERAMMONEMIA DUE TO; OTC DEFICIENCY; Ornithine Carbamoyltransferase Deficiency Disease. Identifiers: Orphanet 664, MedGen C0268542, MONDO:0010703, OMIM 311250.

Submissions (2):

Labcorp Genetics (formerly Invitae), Labcorp
Classification: Likely pathogenic for Ornithine carbamoyltransferase deficiency. Last evaluated: 2025-10-11. Review status: criteria provided, single submitter. Criteria: Invitae Variant Classification Sherloc (09022015). Collection method: clinical testing. Allele origin: germline.
Comment: This sequence change replaces methionine, which is neutral and non-polar, with threonine, which is neutral and polar, at codon 206 of the OTC protein (p.Met206Thr). This variant is not present in population databases (gnomAD no frequency). This variant has not been reported in the literature in individuals affected with OTC-related conditions. ClinVar contains an entry for this variant (Variation ID: 3074769). Invitae Evidence Modeling of protein sequence and biophysical properties (such as structural, functional, and spatial information, amino acid conservation, physicochemical variation, residue mobility, and thermodynamic stability) indicates that this missense variant is expected to disrupt OTC protein function with a positive predictive value of 95%. This variant disrupts the p.Met206 amino acid residue in OTC. Other variant(s) that disrupt this residue have been determined to be pathogenic (PMID: 10405441; internal data). This suggests that this residue is clinically significant, and that variants that disrupt this residue are likely to be disease-causing. In summary, the currently available evidence indicates that the variant is pathogenic, but additional data are needed to prove that conclusively. Therefore, this variant has been classified as Likely Pathogenic.

All of Us Research Program, National Institutes of Health
Classification: Uncertain significance for Ornithine carbamoyltransferase deficiency. Last evaluated: 2023-12-13. Review status: criteria provided, single submitter. Criteria: ACMG Guidelines, 2015. Collection method: clinical testing. Allele origin: germline. Inheritance: X-linked inheritance. Observed: 1 variant allele, 1 hemizygote.
Comment: This missense variant replaces methionine with threonine at codon 206 of the OTC protein. Computational prediction suggests that this variant may have deleterious impact on protein structure and function (internally defined REVEL score threshold >= 0.7, PMID: 27666373). To our knowledge, functional studies have not been reported for this variant. This variant has not been reported in individuals affected with OTC-related disorders in the literature. This variant has not been identified in the general population by the Genome Aggregation Database (gnomAD). The available evidence is insufficient to determine the role of this variant in disease conclusively. Therefore, this variant is classified as a Variant of Uncertain Significance.

This study involves interpretation of variants in research participants for the purpose of population health screening. Participant phenotype was not available at the time of variant classification. Additional details can be found in publication PMID: 35346344, PMCID: PMC8962531

Literature cited by the submitters: PubMed 10405441 (cited by Labcorp Genetics (formerly Invitae), Labcorp).